The following is an entry in ClinVar:

NM_001017975.6(HFM1):c.1566A>G (p.Gln522=)

Gene: HFM1 (helicase for meiosis 1; minus strand). Cytogenetic location: 1p22.2.
Variant type: single nucleotide variant.
Coding change: c.1566A>G on transcript NM_001017975.6 (MANE Select); coding-DNA position 1566, A replaced by G.
Protein change: p.Gln522=; no amino-acid change (glutamine 522 retained).
Molecular consequence: synonymous variant. On other transcripts: non-coding transcript variant (1).
Genome position (GRCh38, 1-based): chr1:91,375,557, T>C on the plus strand (A>G on the coding strand, the complement: HFM1 is on the minus strand). VCF-style: chr1-91375557-T-C. GRCh37 (hg19) VCF-style: chr1-91841114-T-C.
Identifiers: ClinVar variation 4981543 (VCV004981543.1).

ClinVar aggregate classification (germline): Likely benign (1 of 4 stars; one submission).

Conditions:
HFM1-related disorder. Also called: HFM1-related condition.

gnomAD v4.1: 758 of 1,613,446 alleles (0.047%); highest among the groups gnomAD compares: African/African-American, 0.81%; 3 homozygotes.

Submission:

PreventionGenetics, part of Exact Sciences
Classification: Likely benign for HFM1-related condition. Last evaluated: 2025-06-25. Review status: criteria provided, single submitter. Criteria: ACMG Guidelines, 2015. Collection method: clinical testing. Allele origin: germline.
Comment: This variant is classified as likely benign based on ACMG/AMP sequence variant interpretation guidelines (Richards et al. 2015 PMID: 25741868, with internal and published modifications).